The following is an entry in ClinVar:

NM_031935.3(HMCN1):c.10306A>G (p.Met3436Val)

Gene: HMCN1 (hemicentin 1; plus strand). Cytogenetic location: 1q31.1.
Variant type: single nucleotide variant.
Coding change: c.10306A>G on transcript NM_031935.3 (MANE Select); coding-DNA position 10306, A replaced by G.
Protein change: p.Met3436Val; replaces methionine 3436 with valine.
Molecular consequence: missense variant.
Genome position (GRCh38, 1-based): chr1:186,095,254, A>G. VCF-style: chr1-186095254-A-G. GRCh37 (hg19) VCF-style: chr1-186064386-A-G.
Other names: short protein forms M3436V.
Identifiers: ClinVar variation 4715688 (VCV004715688.1).

ClinVar aggregate classification (germline): Uncertain significance (1 of 4 stars; one submission).

Submission:

Labcorp Genetics (formerly Invitae), Labcorp
Classification: Uncertain significance. Last evaluated: 2025-03-30. Review status: criteria provided, single submitter. Criteria: Invitae Variant Classification Sherloc (09022015). Collection method: clinical testing. Allele origin: germline.
Comment: This sequence change replaces methionine, which is neutral and non-polar, with valine, which is neutral and non-polar, at codon 3436 of the HMCN1 protein (p.Met3436Val). This variant is not present in population databases (gnomAD no frequency). This variant has not been reported in the literature in individuals affected with HMCN1-related conditions. An algorithm developed to predict the effect of missense changes on protein structure and function (PolyPhen-2) suggests that this variant is likely to be tolerated. In summary, the available evidence is currently insufficient to determine the role of this variant in disease. Therefore, it has been classified as a Variant of Uncertain Significance.